The following is an entry in ClinVar:

ClinVar aggregate classification (germline): Uncertain significance. Review status: criteria provided, multiple submitters, no conflicts (2 of 4 stars). 2 submissions from 2 submitters: Uncertain significance (2). Last evaluated 2023-05-23.

Conditions:
Inborn genetic diseases. Identifiers: MedGen C0950123, MeSH D030342.

gnomAD v4.1: 2 of 1,612,568 alleles (0.00012%); highest among the groups gnomAD compares: Admixed American, 0.0017%; no homozygotes.

Submissions (2):

Ambry Genetics
Classification: Uncertain significance for Inborn genetic diseases. Last evaluated: 2023-05-23. Review status: criteria provided, single submitter. Criteria: Ambry Variant Classification Scheme 2023. Collection method: clinical testing. Allele origin: germline.

Labcorp Genetics (formerly Invitae), Labcorp
Classification: Uncertain significance. Last evaluated: 2022-02-09. Review status: criteria provided, single submitter. Criteria: Invitae Variant Classification Sherloc (09022015). Collection method: clinical testing. Allele origin: germline.
Comment: This sequence change replaces threonine, which is neutral and polar, with serine, which is neutral and polar, at codon 983 of the FAT4 protein (p.Thr983Ser). This variant is not present in population databases (gnomAD no frequency). This variant has not been reported in the literature in individuals affected with FAT4-related conditions. Advanced modeling of protein sequence and biophysical properties (such as structural, functional, and spatial information, amino acid conservation, physicochemical variation, residue mobility, and thermodynamic stability) performed at Invitae indicates that this missense variant is not expected to disrupt FAT4 protein function. In summary, the available evidence is currently insufficient to determine the role of this variant in disease. Therefore, it has been classified as a Variant of Uncertain Significance.

NM_001291303.3(FAT4):c.2947A>T (p.Thr983Ser)

Gene: FAT4 (FAT atypical cadherin 4; plus strand). Cytogenetic location: 4q28.1.
Variant type: single nucleotide variant.
Coding change: c.2947A>T on transcript NM_001291303.3 (MANE Select); coding-DNA position 2947, A replaced by T.
Protein change: p.Thr983Ser; replaces threonine 983 with serine.
Molecular consequence: missense variant.
Genome position (GRCh38, 1-based): chr4:125,319,358, A>T. VCF-style: chr4-125319358-A-T. GRCh37 (hg19) VCF-style: chr4-126240513-A-T.
Other names: c.2947A>T, p.Thr983Ser (NM_001291285.3, NM_024582.6); c.2947A>T (NM_024582.4); short protein forms T983S.
Identifiers: ClinVar variation 1917375 (VCV001917375.7), dbSNP rs1038652411, ClinGen allele CA104865682.